The following is an entry in ClinVar:

NM_000322.5(PRPH2):c.171C>G (p.Ser57Arg)

Gene: PRPH2 (peripherin 2; minus strand). Cytogenetic location: 6p21.1.
Variant type: single nucleotide variant.
Coding change: c.171C>G on transcript NM_000322.5 (MANE Select); coding-DNA position 171, C replaced by G.
Protein change: p.Ser57Arg; replaces serine 57 with arginine.
Molecular consequence: missense variant.
Genome position (GRCh38, 1-based): chr6:42,722,164, G>C on the plus strand (C>G on the coding strand, the complement: PRPH2 is on the minus strand). VCF-style: chr6-42722164-G-C. GRCh37 (hg19) VCF-style: chr6-42689902-G-C.
Other names: short protein forms S57R.
Identifiers: ClinVar variation 1040539 (VCV001040539.8), dbSNP rs1761917045, ClinGen allele CA364138564.

ClinVar aggregate classification (germline): Uncertain significance (1 of 4 stars; one submission).

Conditions:
PRPH2-related disorder. Also called: PRPH2-related disorders; PRPH2-related condition. Identifiers: MedGen CN239395.

Allele frequency attached by ClinVar (database versions not stated): gnomAD exomes below 0.00001.
gnomAD v4.1: 1 of 1,614,094 alleles (0.000062%); highest among the groups gnomAD compares: South Asian, 0.0011%; no homozygotes.

Submission:

Labcorp Genetics (formerly Invitae), Labcorp
Classification: Uncertain significance for PRPH2-related disorder. Last evaluated: 2024-02-23. Review status: criteria provided, single submitter. Criteria: Invitae Variant Classification Sherloc (09022015). Collection method: clinical testing. Allele origin: germline.
Comment: This sequence change replaces serine, which is neutral and polar, with arginine, which is basic and polar, at codon 57 of the PRPH2 protein (p.Ser57Arg). This variant is not present in population databases (gnomAD no frequency). This variant has not been reported in the literature in individuals affected with PRPH2-related conditions. ClinVar contains an entry for this variant (Variation ID: 1040539). Advanced modeling of protein sequence and biophysical properties (such as structural, functional, and spatial information, amino acid conservation, physicochemical variation, residue mobility, and thermodynamic stability) performed at Invitae indicates that this missense variant is expected to disrupt PRPH2 protein function with a positive predictive value of 80%. In summary, the available evidence is currently insufficient to determine the role of this variant in disease. Therefore, it has been classified as a Variant of Uncertain Significance.